The following is an entry in ClinVar:

ClinVar aggregate classification (germline): Uncertain significance. Review status: criteria provided, multiple submitters, no conflicts (2 of 4 stars). 3 submissions from 3 submitters: Uncertain significance (3). Last evaluated 2025-12-03.

Conditions:
Cardiovascular phenotype. Identifiers: MedGen CN230736.
Dilated cardiomyopathy 1EE (CMD1EE). Identifiers: Orphanet 154, MedGen C2750466, MONDO:0013198, OMIM 613252.
Hypertrophic cardiomyopathy 14. Identifiers: MedGen C2750467, MONDO:0013197, OMIM 613251.

Submissions (3):

Ambry Genetics
Classification: Uncertain significance for Cardiovascular phenotype. Last evaluated: 2025-12-03. Review status: criteria provided, single submitter. Criteria: Ambry Variant Classification Scheme 2023. Collection method: clinical testing. Allele origin: germline.
Comment: The c.5803dupA variant, located in coding exon 37 of the MYH6 gene, results from a duplication of A at nucleotide position 5803, causing a translational frameshift with a predicted alternate stop codon (p.M1935Nfs*4). This alteration occurs at the 3' terminus of the gene, is not expected to trigger nonsense-mediated mRNA decay, and impacts the last 5 amino acids of the protein. The exact functional effect of this alteration is unknown. Furthermore, loss of function has not been established as a mechanism of disease. Based on the available evidence, the clinical significance of this alteration remains unclear.

New York Genome Center
Classification: Uncertain significance for Dilated cardiomyopathy 1EE; Hypertrophic cardiomyopathy 14. Last evaluated: 2023-06-14. Review status: criteria provided, single submitter. Criteria: NYGC Assertion Criteria 2020. Collection method: clinical testing. Allele origin: germline. Observed: 1 heterozygote.
Comment: The c.5803dup p.(Met1935AsnfsTer4) variant identified in the MYH6 gene has been deposited in the ClinVar database as a variant of uncertain significance [ClinVar ID:1695783]. The c.5803dup variant is observed in 7 alleles (~0.0011% minor allele frequency with 0 homozygotes) in population databases (gnomAD v2.1.1 and v3.1.2, TOPMed Freeze 8), suggesting it is not a common benign variant in the populations represented in those databases. The c.5803dup variant is located in the last exon of this 17-exon gene and alters the wild-type translational reading frame. The resultant mutant mRNA is predicted to escape nonsense-mediated mRNA decay. If translated, the mutant protein would lack the last 5 amino acids compared to the full length 1939 amino acid protein and instead would include 3 different amino acids p.(Met1935AsnfsTer4). Based on available evidence, this c.5803dup p.(Met1935AsnfsTer4) variant in MYH6 is reported as a Variant of Uncertain Significance.

GeneDx
Classification: Uncertain significance. Last evaluated: 2022-01-07. Review status: criteria provided, single submitter. Criteria: GeneDx Variant Classification Process June 2021. Collection method: clinical testing. Allele origin: germline. Affected: yes.
Comment: Not observed at significant frequency in large population cohorts (gnomAD); Frameshift variant predicted to result in protein truncation as the last 5 amino acids are replaced with 3 different amino acids, although loss-of-function variants have not been reported downstream of this position in the protein; Has not been previously published as pathogenic or benign to our knowledge

NM_002471.4(MYH6):c.5803dup (p.Met1935fs)

Gene: MYH6 (myosin heavy chain 6; minus strand). Cytogenetic location: 14q11.2.
Variant type: Duplication.
Coding change: c.5803dup on transcript NM_002471.4 (MANE Select); coding-DNA position 5803, one base duplicated (A; older notation c.5803dupA).
Protein change: p.Met1935fs; shifts the reading frame from methionine 1935.
Molecular consequence: frameshift variant.
Genome position (GRCh38, 1-based): chr14:23,382,057, T duplicated on the plus strand (A on the coding strand, the reverse complement: MYH6 is on the minus strand); the first of 6 consecutive T bases (chr14:23,382,057-23,382,062); duplicating any one gives the same sequence. VCF-style (leftmost placement, unchanged base first): chr14-23382056-A-AT. GRCh37 (hg19) VCF-style: chr14-23851265-A-AT.
Other names: c.5803dupA (NM_002471.3); short protein forms M1935fs.
Identifiers: ClinVar variation 1695783 (VCV001695783.4), dbSNP rs768525215, ClinGen allele CA7114264.